The following is an entry in ClinVar:

ClinVar aggregate classification (germline): Conflicting classifications of pathogenicity. Review status: criteria provided, conflicting classifications (1 of 4 stars). 4 submissions from 4 submitters: Uncertain significance (1); Likely benign (3). Last evaluated 2026-07-01.

Allele frequency attached by ClinVar (database versions not stated): ESP Exome Variant Server 0.00062; gnomAD 0.00065; gnomAD exomes 0.00069 and 0.00045; TOPMed 0.00074; 1000 Genomes Project 30x 0.00016; 1000 Genomes Project 0.00020; ExAC 0.00035.
gnomAD v4.1: 1,080 of 1,612,702 alleles (0.067%); highest among the groups gnomAD compares: Admixed American, 0.13%; no homozygotes.

Submissions (4):

CeGaT Center for Human Genetics Tuebingen
Classification: Likely benign. Last evaluated: 2026-07-01. Review status: criteria provided, single submitter. Criteria: CeGaT Center For Human Genetics Tuebingen Variant Classification Criteria Version 2. Collection method: clinical testing. Allele origin: germline. Affected: yes. Observed: 3 variant alleles.
Comment: CIC: BS1

Blueprint Genetics
Classification: Likely benign. Last evaluated: 2024-09-13. Review status: criteria provided, single submitter. Criteria: ACMG Guidelines, 2015. Collection method: clinical testing. Allele origin: germline.

Labcorp Genetics (formerly Invitae), Labcorp
Classification: Likely benign. Last evaluated: 2019-12-31. Review status: criteria provided, single submitter. Criteria: Invitae Variant Classification Sherloc (09022015). Collection method: clinical testing. Allele origin: germline.

Eurofins Ntd Llc (ga)
Classification: Uncertain significance. Last evaluated: 2017-03-06. Review status: criteria provided, single submitter. Criteria: EGL Classification Definitions 2015. Collection method: clinical testing. Allele origin: germline. Observed: 1 variant allele, 1 heterozygote.

NM_001386298.1(CIC):c.5279C>T (p.Ala1760Val)

Gene: CIC (capicua transcriptional repressor; plus strand). Cytogenetic location: 19q13.2.
Variant type: single nucleotide variant.
Coding change: c.5279C>T on transcript NM_001386298.1 (MANE Select); coding-DNA position 5279, C replaced by T.
Protein change: p.Ala1760Val; replaces alanine 1760 with valine.
Molecular consequence: missense variant.
Genome position (GRCh38, 1-based): chr19:42,291,320, C>T. VCF-style: chr19-42291320-C-T. GRCh37 (hg19) VCF-style: chr19-42795472-C-T.
Other names: c.5279C>T, p.Ala1760Val (NM_001304815.2, NM_001379480.1, NM_001379482.1); c.2552C>T, p.Ala851Val (NM_001379484.1, NM_001379485.1, NM_015125.5); short protein forms A1760V, A851V.
Identifiers: ClinVar variation 500685 (VCV000500685.35), dbSNP rs45596843, ClinGen allele CA9472276.